The following is an entry in ClinVar:

ClinVar aggregate classification (germline): Likely benign (1 of 4 stars; one submission).

gnomAD v4.1: 4 of 1,614,114 alleles (0.00025%); highest among the groups gnomAD compares: Admixed American, 0.0033%; no homozygotes.

Submission:

CeGaT Center for Human Genetics Tuebingen
Classification: Likely benign. Last evaluated: 2026-04-01. Review status: criteria provided, single submitter. Criteria: CeGaT Center For Human Genetics Tuebingen Variant Classification Criteria Version 2. Collection method: clinical testing. Allele origin: germline. Affected: yes. Observed: 1 variant allele.
Comment: PCDHGC5: BP4, BP7

NM_018929.3(PCDHGC5):c.894C>T (p.Ser298=)

Genes: PCDHG@ (protocadherin gamma cluster; plus strand), PCDHGA1 (protocadherin gamma subfamily A, 1; plus strand), PCDHGA10 (protocadherin gamma subfamily A, 10; plus strand), PCDHGA11 (protocadherin gamma subfamily A, 11; plus strand), PCDHGA12 (protocadherin gamma subfamily A, 12; plus strand) and 18 more. Cytogenetic location: 5q31.3.
Variant type: single nucleotide variant.
Coding change: c.894C>T on transcript NM_018929.3 (MANE Select); coding-DNA position 894, C replaced by T.
Protein change: p.Ser298=; no amino-acid change (serine 298 retained).
Molecular consequence: synonymous variant. On other transcripts: intron variant (24).
Genome position (GRCh38, 1-based): chr5:141,490,134, C>T. VCF-style: chr5-141490134-C-T. GRCh37 (hg19) VCF-style: chr5-140869701-C-T.
Other names: c.894C>T, p.Ser298= (NM_032407.1); c.2422-4673C>T (NM_018912.3, NM_018923.3, NM_018918.3); c.2425-4673C>T (NM_018915.4, NM_018916.4, NM_018919.3 and 4 more transcripts); c.2410-4673C>T (NM_018922.3); c.2515-4673C>T (NM_018917.4); c.2416-4673C>T (NM_018924.5, NM_018927.4); c.2398-4673C>T (NM_003736.4, NM_018925.3); c.2419-4673C>T (NM_018926.3); and 7 more.
Identifiers: ClinVar variation 4873363 (VCV004873363.2).
Genomic context (GRCh38, chr5:141,490,134, plus strand): 5'-CTATTCTTTTGGAGACCACACATCTGAGGCAGTGCGGAACCTCTTTGGCCTAGACCCTAG[C>T]AGTGGGGCAATCCATGTGTTGGGTCCCATAGACTTTGAGGAGTCACGTTTCTATGAAATT-3'
Protein context (NP_061752.1, residues 288-308): AVRNLFGLDP[Ser298=]SGAIHVLGPI